The following is an entry in ClinVar:

NM_006574.4(CSPG5):c.639C>T (p.Phe213=)

Gene: CSPG5 (chondroitin sulfate proteoglycan 5; minus strand). Cytogenetic location: 3p21.31.
Variant type: single nucleotide variant.
Coding change: c.639C>T on transcript NM_006574.4 (MANE Select); coding-DNA position 639, C replaced by T.
Protein change: p.Phe213=; no amino-acid change (phenylalanine 213 retained).
Molecular consequence: synonymous variant.
Genome position (GRCh38, 1-based): chr3:47,577,387, G>A on the plus strand (C>T on the coding strand, the complement: CSPG5 is on the minus strand). VCF-style: chr3-47577387-G-A. GRCh37 (hg19) VCF-style: chr3-47618877-G-A.
Other names: c.225C>T, p.Phe75= (NM_001206942.2, NM_001206945.2); c.639C>T, p.Phe213= (NM_001206943.2, NM_001206944.2).
Identifiers: ClinVar variation 2653765 (VCV002653765.24), dbSNP rs746592573, ClinGen allele CA2368510.

ClinVar aggregate classification (germline): Likely benign (1 of 4 stars; one submission).

Allele frequency attached by ClinVar (database versions not stated): gnomAD exomes below 0.00001; TOPMed below 0.00001; ExAC 0.00002.
gnomAD v4.1: 5 of 1,614,146 alleles (0.00031%); highest among the groups gnomAD compares: Non-Finnish European, 0.00042%; no homozygotes.

Submission:

CeGaT Center for Human Genetics Tuebingen
Classification: Likely benign. Last evaluated: 2022-07-01. Review status: criteria provided, single submitter. Criteria: CeGaT Center For Human Genetics Tuebingen Variant Classification Criteria Version 2. Collection method: clinical testing. Allele origin: germline. Affected: yes. Observed: 1 variant allele.
Comment: CSPG5: BP4, BP7